The following is an entry in ClinVar:

ClinVar aggregate classification (germline): Uncertain significance (1 of 4 stars; one submission).

Conditions:
Left ventricular noncompaction 8 (LVNC8). Identifiers: Orphanet 154, Orphanet 54260, MedGen C3809288, MONDO:0014152, OMIM 615373.

Allele frequency attached by ClinVar (database versions not stated): TOPMed below 0.00001; ExAC 0.00001; gnomAD exomes 0.00001.
gnomAD v4.1: 4 of 1,613,788 alleles (0.00025%); highest among the groups gnomAD compares: Admixed American, 0.0067%; no homozygotes.

Submission:

Labcorp Genetics (formerly Invitae), Labcorp
Classification: Uncertain significance for Left ventricular noncompaction 8. Last evaluated: 2023-05-19. Review status: criteria provided, single submitter. Criteria: Invitae Variant Classification Sherloc (09022015). Collection method: clinical testing. Allele origin: germline.
Comment: In summary, the available evidence is currently insufficient to determine the role of this variant in disease. Therefore, it has been classified as a Variant of Uncertain Significance. An algorithm developed to predict the effect of missense changes on protein structure and function (PolyPhen-2) suggests that this variant is likely to be disruptive. ClinVar contains an entry for this variant (Variation ID: 2083310). This variant has not been reported in the literature in individuals affected with PRDM16-related conditions. This variant is present in population databases (rs780561119, gnomAD 0.006%). This sequence change replaces glutamic acid, which is acidic and polar, with lysine, which is basic and polar, at codon 1121 of the PRDM16 protein (p.Glu1121Lys).

NM_022114.4(PRDM16):c.3361G>A (p.Glu1121Lys)

Gene: PRDM16 (PR/SET domain 16; plus strand). Cytogenetic location: 1p36.32.
Variant type: single nucleotide variant.
Coding change: c.3361G>A on transcript NM_022114.4 (MANE Select); coding-DNA position 3361, G replaced by A.
Protein change: p.Glu1121Lys; replaces glutamic acid 1121 with lysine.
Molecular consequence: missense variant.
Genome position (GRCh38, 1-based): chr1:3,430,948, G>A. VCF-style: chr1-3430948-G-A. GRCh37 (hg19) VCF-style: chr1-3347512-G-A.
Other names: c.3361G>A, p.Glu1121Lys (NM_199454.3); short protein forms E1121K.
Identifiers: ClinVar variation 2083310 (VCV002083310.4), dbSNP rs780561119, ClinGen allele CA544847.
Genomic context (GRCh38, chr1:3,430,948, plus strand): 5'-GTGGACGGCAGTGCCCAGTGTCCAGGCCTAGCCAGTGAGAAGCAGGAGGACGTGGAGGAG[G>A]AGGACGACGATGACCTGGAGGAGGACGATGAGGACAGCCTGGCCGGGAAGTCGCAGGATG-3'
Protein context (NP_071397.3, residues 1111-1131): ASEKQEDVEE[Glu1121Lys]DDDDLEEDDE